The following is an entry in ClinVar:

NM_020778.5(ALPK3):c.4063G>A (p.Ala1355Thr)

Gene: ALPK3 (alpha kinase 3; plus strand). Cytogenetic location: 15q25.3.
Variant type: single nucleotide variant.
Coding change: c.4063G>A on transcript NM_020778.5 (MANE Select); coding-DNA position 4063, G replaced by A.
Protein change: p.Ala1355Thr; replaces alanine 1355 with threonine.
Molecular consequence: missense variant.
Genome position (GRCh38, 1-based): chr15:84,859,873, G>A. VCF-style: chr15-84859873-G-A. GRCh37 (hg19) VCF-style: chr15-85403104-G-A.
Other names: short protein forms A1557T, A1355T.
Identifiers: ClinVar variation 389762 (VCV000389762.25), dbSNP rs114686452, ClinGen allele CA7709819.
Genomic context (GRCh38, chr15:84,859,873, plus strand): 5'-CAGGCCTCCCCCGTAGACTGCGGTGTGTATCGGTGCACCATCCACAATGAGCACGGCTCG[G>A]CCTCCACCGACTTCTGCCTCAGCCCTGAGGGTGAGTGTGCCCCGCGGCCCGGGGTCTCAG-3'
Protein context (NP_065829.4, residues 1345-1365): RCTIHNEHGS[Ala1355Thr]STDFCLSPEV

ClinVar aggregate classification (germline): Conflicting classifications of pathogenicity. Review status: criteria provided, conflicting classifications (1 of 4 stars). 10 submissions from 10 submitters: Uncertain significance (1); Benign (1); Likely benign (7). 1 of the submissions does not count toward it. Last evaluated 2026-03-27.

Conditions:
ALPK3-related disorder. Also called: ALPK3-related condition.
Cardiomyopathy, familial hypertrophic 27. Identifiers: MedGen C4748014, MONDO:0054838, OMIM 618052.
Cardiovascular phenotype. Identifiers: MedGen CN230736.

Allele frequency attached by ClinVar (database versions not stated): gnomAD exomes 0.00012 and 0.00043; ExAC 0.00054; ESP Exome Variant Server 0.00131; gnomAD 0.00161 and 0.00171; TOPMed 0.00186; 1000 Genomes Project 30x 0.00219; 1000 Genomes Project 0.00220.
gnomAD v4.1: 428 of 1,614,058 alleles (0.027%); highest among the groups gnomAD compares: African/African-American, 0.52%; 6 homozygotes.

Submissions (10):

Molecular Diagnostic Laboratory for Inherited Cardiovascular Disease, Montreal Heart Institute
Classification: Likely benign. Last evaluated: 2026-03-27. Review status: criteria provided, single submitter. Criteria: ACMG Guidelines, 2015. Collection method: clinical testing. Allele origin: germline. Affected: no.
Comment: BS1;BP1;BP4

Labcorp Genetics (formerly Invitae), Labcorp
Classification: Likely benign. Last evaluated: 2026-02-03. Review status: criteria provided, single submitter. Criteria: Invitae Variant Classification Sherloc (09022015). Collection method: clinical testing. Allele origin: germline.

CeGaT Center for Human Genetics Tuebingen
Classification: Likely benign. Last evaluated: 2025-10-01. Review status: criteria provided, single submitter. Criteria: CeGaT Center For Human Genetics Tuebingen Variant Classification Criteria Version 2. Collection method: clinical testing. Allele origin: germline. Affected: yes. Observed: 1 variant allele.
Comment: ALPK3: BP4, BS2

ARUP Laboratories, Molecular Genetics and Genomics, ARUP Laboratories
Classification: Likely benign for Cardiomyopathy, familial hypertrophic 27. Last evaluated: 2025-04-08. Review status: criteria provided, single submitter. Criteria: ARUP Molecular Germline Variant Investigation Process 2024. Collection method: clinical testing. Allele origin: germline.

Women's Health and Genetics/Laboratory Corporation of America, LabCorp
Classification: Uncertain significance. Last evaluated: 2025-03-07. Review status: criteria provided, single submitter. Criteria: LabCorp Variant Classification Summary - May 2015. Collection method: clinical testing. Allele origin: germline.

Blueprint Genetics
Classification: Likely benign. Last evaluated: 2024-09-25. Review status: criteria provided, single submitter. Criteria: ACMG Guidelines, 2015. Collection method: clinical testing. Allele origin: germline.

Ambry Genetics
Classification: Benign for Cardiovascular phenotype. Last evaluated: 2019-02-20. Review status: criteria provided, single submitter. Criteria: Ambry Variant Classification Scheme 2023. Collection method: clinical testing. Allele origin: germline.

GeneDx
Classification: Likely benign. Last evaluated: 2017-12-05. Review status: criteria provided, single submitter. Criteria: GeneDx Variant Classification (06012015). Collection method: clinical testing. Allele origin: germline. Affected: yes.
Comment: This variant is considered likely benign or benign based on one or more of the following criteria: it is a conservative change, it occurs at a poorly conserved position in the protein, it is predicted to be benign by multiple in silico algorithms, and/or has population frequency not consistent with disease.

Breakthrough Genomics
Classification: Likely benign. Review status: criteria provided, single submitter. Criteria: ACMG Guidelines, 2015. Collection method: not provided. Allele origin: germline. Inheritance: Autosomal recessive inheritance. Affected: yes.

PreventionGenetics, part of Exact Sciences
Classification: Likely benign for ALPK3-related condition. Last evaluated: 2019-11-07. Review status: no assertion criteria provided. Collection method: clinical testing. Allele origin: germline. Not counted in ClinVar's aggregate classification.
Comment: This variant is classified as likely benign based on ACMG/AMP sequence variant interpretation guidelines (Richards et al. 2015 PMID: 25741868, with internal and published modifications).